The following is an entry in ClinVar:

NM_002047.4(GARS1):c.699C>T (p.Val233=)

Gene: GARS1 (glycyl-tRNA synthetase 1; plus strand). Cytogenetic location: 7p14.3.
Variant type: single nucleotide variant.
Coding change: c.699C>T on transcript NM_002047.4 (MANE Select); coding-DNA position 699, C replaced by T.
Protein change: p.Val233=; no amino-acid change (valine 233 retained).
Molecular consequence: synonymous variant.
Genome position (GRCh38, 1-based): chr7:30,603,536, C>T. VCF-style: chr7-30603536-C-T. GRCh37 (hg19) VCF-style: chr7-30643152-C-T.
Other names: c.537C>T, p.Val179= (NM_001316772.1); c.699C>T (LRG_243t1, NM_002047.3).
Identifiers: ClinVar variation 360004 (VCV000360004.52), dbSNP rs187937286, ClinGen allele CA4205788.

ClinVar aggregate classification (germline): Benign/Likely benign. Review status: criteria provided, multiple submitters, no conflicts (2 of 4 stars). 10 submissions from 8 submitters: Benign (3); Likely benign (6). 1 of the submissions does not count toward it. Last evaluated 2026-01-11.

Conditions:
Distal spinal muscular atrophy. Also called: Distal hereditary motor neuronopathy; Distal hereditary motor neuropathy. Identifiers: Orphanet 53739, MedGen C0393541, MONDO:0018894.
GARS1-related disorder. Also called: GARS1-related condition.
Charcot-Marie-Tooth disease type 2D (CMT2D). Also called: CHARCOT-MARIE-TOOTH DISEASE, AXONAL, TYPE 2D; GARS1 Adolescent- or Early Adult-Onset Hereditary Motor/Sensory Neuropathy (GARS1-HMSN); Charcot-Marie-Tooth Neuropathy Type 2D; CHARCOT-MARIE-TOOTH DISEASE, NEURONAL, TYPE 2D. Identifiers: Orphanet 99938, MedGen C1832274, MONDO:0011091, OMIM 601472.
Charcot-Marie-Tooth disease type 2. Also called: Charcot-Marie-Tooth type 2. Identifiers: Orphanet 64746, MedGen C0270914, MONDO:0018993.
Neuronopathy, distal hereditary motor, type 5A (HMND5). Also called: DHMN VA; NEURONOPATHY, DISTAL HEREDITARY MOTOR, AUTOSOMAL DOMINANT 5; Distal Spinal Muscular Atrophy V; Distal Spinal Muscular Atrophy V (dSMA-V). Identifiers: Orphanet 139536, MedGen CN031873, MONDO:0015353, OMIM 600794.
Charcot-Marie-Tooth disease. Also called: Charcot-Marie-Tooth Neuropathy; Charcot-Marie-Tooth Hereditary Neuropathy. Identifiers: Orphanet 166, MedGen C0007959, MONDO:0015626.

Allele frequency attached by ClinVar (database versions not stated): gnomAD exomes 0.00007; ExAC 0.00017; gnomAD 0.00060 and 0.00063; ESP Exome Variant Server 0.00067; TOPMed 0.00083; 1000 Genomes Project 0.00140; 1000 Genomes Project 30x 0.00156.
gnomAD v4.1: 199 of 1,613,772 alleles (0.012%); highest among the groups gnomAD compares: African/African-American, 0.19%; no homozygotes.

Submissions (10):

Labcorp Genetics (formerly Invitae), Labcorp
Classification: Benign for Charcot-Marie-Tooth disease type 2. Last evaluated: 2026-01-11. Review status: criteria provided, single submitter. Criteria: Invitae Variant Classification Sherloc (09022015). Collection method: clinical testing. Allele origin: germline.

CeGaT Center for Human Genetics Tuebingen
Classification: Likely benign. Last evaluated: 2023-04-01. Review status: criteria provided, single submitter. Criteria: CeGaT Center For Human Genetics Tuebingen Variant Classification Criteria Version 2. Collection method: clinical testing. Allele origin: germline. Affected: yes. Observed: 1 variant allele.
Comment: GARS1: BP4, BP7, BS1

Ambry Genetics
Classification: Likely benign. Last evaluated: 2019-07-11. Review status: criteria provided, single submitter. Criteria: Ambry Variant Classification Scheme 2023. Collection method: clinical testing. Allele origin: germline.

GeneDx
Classification: Likely benign. Last evaluated: 2018-04-26. Review status: criteria provided, single submitter. Criteria: GeneDx Variant Classification Process June 2021. Collection method: clinical testing. Allele origin: germline. Affected: yes.

Illumina Laboratory Services, Illumina
Classification: Benign for Distal hereditary motor neuronopathy type 5. Last evaluated: 2018-01-13. Review status: criteria provided, single submitter. Criteria: ICSL Variant Classification Criteria 13 December 2019. Collection method: clinical testing. Allele origin: germline.
Comment: This variant was observed in the ICSL laboratory as part of a predisposition screen in an ostensibly healthy population. It had not been previously curated by ICSL or reported in the Human Gene Mutation Database (HGMD: prior to June 1st, 2018), and was therefore a candidate for classification through an automated scoring system. Utilizing variant allele frequency, disease prevalence and penetrance estimates, and inheritance mode, an automated score was calculated to assess if this variant is too frequent to cause the disease. Based on the score and internal cut-off values, a variant classified as benign is not then subjected to further curation. The score for this variant resulted in a classification of benign for this disease.

Illumina Laboratory Services, Illumina
Classification: Likely benign for Charcot-Marie-Tooth disease type 2D. Last evaluated: 2018-01-13. Review status: criteria provided, single submitter. Criteria: ICSL Variant Classification Criteria 13 December 2019. Collection method: clinical testing. Allele origin: germline.
Comment: This variant was observed in the ICSL laboratory as part of a predisposition screen in an ostensibly healthy population. It had not been previously curated by ICSL or reported in the Human Gene Mutation Database (HGMD: prior to June 1st, 2018), and was therefore a candidate for classification through an automated scoring system. Utilizing variant allele frequency, disease prevalence and penetrance estimates, and inheritance mode, an automated score was calculated to assess if this variant is too frequent to cause the disease. Based on the score and internal cut-off values, a variant classified as likely benign is not then subjected to further curation. The score for this variant resulted in a classification of likely benign for this disease.

Illumina Laboratory Services, Illumina
Classification: Benign for Distal Spinal Muscular Atrophy. Last evaluated: 2018-01-13. Review status: criteria provided, single submitter. Criteria: ICSL Variant Classification Criteria 13 December 2019. Collection method: clinical testing. Allele origin: germline.
Comment: the same text as in the submission from Illumina Laboratory Services, Illumina above.

Eurofins Ntd Llc (ga)
Classification: Likely benign. Last evaluated: 2017-02-17. Review status: criteria provided, single submitter. Criteria: EGL Classification Definitions 2015. Collection method: clinical testing. Allele origin: germline. Observed: 1 variant allele, 1 heterozygote.

Molecular Genetics Laboratory, London Health Sciences Centre
Classification: Likely benign for Charcot-Marie-Tooth disease. Review status: criteria provided, single submitter. Criteria: ACMG Guidelines, 2015. Collection method: clinical testing. Allele origin: germline. Affected: yes.

PreventionGenetics, part of Exact Sciences
Classification: Likely benign for GARS1-related condition. Last evaluated: 2019-04-25. Review status: no assertion criteria provided. Collection method: clinical testing. Allele origin: germline. Not counted in ClinVar's aggregate classification.
Comment: This variant is classified as likely benign based on ACMG/AMP sequence variant interpretation guidelines (Richards et al. 2015 PMID: 25741868, with internal and published modifications).